The following is an entry in ClinVar:

ClinVar aggregate classification (germline): Uncertain significance (1 of 4 stars; one submission).

Allele frequency attached by ClinVar (database versions not stated): gnomAD exomes below 0.00001; TOPMed below 0.00001; ExAC 0.00001.
gnomAD v4.1: 1 of 1,614,080 alleles (0.000062%); highest among the groups gnomAD compares: Admixed American, 0.0017%; no homozygotes.

Submission:

Labcorp Genetics (formerly Invitae), Labcorp
Classification: Uncertain significance. Last evaluated: 2022-04-25. Review status: criteria provided, single submitter. Criteria: Invitae Variant Classification Sherloc (09022015). Collection method: clinical testing. Allele origin: germline.
Comment: In summary, the available evidence is currently insufficient to determine the role of this variant in disease. Therefore, it has been classified as a Variant of Uncertain Significance. Algorithms developed to predict the effect of missense changes on protein structure and function output the following: SIFT: "Tolerated"; PolyPhen-2: "Benign"; Align-GVGD: "Class C0". The lysine amino acid residue is found in multiple mammalian species, which suggests that this missense change does not adversely affect protein function. This variant has not been reported in the literature in individuals affected with DHCR24-related conditions. This variant is present in population databases (rs766019921, gnomAD 0.003%). This sequence change replaces glutamic acid, which is acidic and polar, with lysine, which is basic and polar, at codon 287 of the DHCR24 protein (p.Glu287Lys).

NM_014762.4(DHCR24):c.859G>A (p.Glu287Lys)

Gene: DHCR24 (24-dehydrocholesterol reductase; minus strand). Cytogenetic location: 1p32.3.
Variant type: single nucleotide variant.
Coding change: c.859G>A on transcript NM_014762.4 (MANE Select); coding-DNA position 859, G replaced by A.
Protein change: p.Glu287Lys; replaces glutamic acid 287 with lysine.
Molecular consequence: missense variant.
Genome position (GRCh38, 1-based): chr1:54,871,367, C>T on the plus strand (G>A on the coding strand, the complement: DHCR24 is on the minus strand). VCF-style: chr1-54871367-C-T. GRCh37 (hg19) VCF-style: chr1-55337040-C-T.
Other names: short protein forms E287K.
Identifiers: ClinVar variation 1947807 (VCV001947807.5), dbSNP rs766019921, ClinGen allele CA870720.